The following is an entry in ClinVar:

NM_024928.5(STN1):c.160A>G (p.Ile54Val)

Gene: STN1 (STN1 subunit of CST complex; minus strand). Cytogenetic location: 10q24.33.
Variant type: single nucleotide variant.
Coding change: c.160A>G on transcript NM_024928.5 (MANE Select); coding-DNA position 160, A replaced by G.
Protein change: p.Ile54Val; replaces isoleucine 54 with valine.
Molecular consequence: missense variant.
Genome position (GRCh38, 1-based): chr10:103,910,596, T>C on the plus strand (A>G on the coding strand, the complement: STN1 is on the minus strand). VCF-style: chr10-103910596-T-C. GRCh37 (hg19) VCF-style: chr10-105670354-T-C.
Other names: short protein forms I54V.
Identifiers: ClinVar variation 1358815 (VCV001358815.8), dbSNP rs181024505, ClinGen allele CA5676717.

ClinVar aggregate classification (germline): Uncertain significance (1 of 4 stars; one submission).

Allele frequency attached by ClinVar (database versions not stated): TOPMed 0.00002; gnomAD 0.00005 and 0.00001; gnomAD exomes 0.00006; ExAC 0.00007; 1000 Genomes Project 30x 0.00047; 1000 Genomes Project 0.00060.
gnomAD v4.1: 86 of 1,609,190 alleles (0.0053%); highest among the groups gnomAD compares: East Asian, 0.19%; no homozygotes.

Submission:

Labcorp Genetics (formerly Invitae), Labcorp
Classification: Uncertain significance. Last evaluated: 2025-04-07. Review status: criteria provided, single submitter. Criteria: Invitae Variant Classification Sherloc (09022015). Collection method: clinical testing. Allele origin: germline.
Comment: This sequence change replaces isoleucine, which is neutral and non-polar, with valine, which is neutral and non-polar, at codon 54 of the STN1 protein (p.Ile54Val). This variant is present in population databases (rs181024505, gnomAD 0.08%). This variant has not been reported in the literature in individuals affected with STN1-related conditions. ClinVar contains an entry for this variant (Variation ID: 1358815). Invitae Evidence Modeling of protein sequence and biophysical properties (such as structural, functional, and spatial information, amino acid conservation, physicochemical variation, residue mobility, and thermodynamic stability) indicates that this missense variant is not expected to disrupt STN1 protein function with a negative predictive value of 80%. In summary, the available evidence is currently insufficient to determine the role of this variant in disease. Therefore, it has been classified as a Variant of Uncertain Significance.